The following is an entry in ClinVar:

NM_001256789.3(CACNA1F):c.1810G>A (p.Ala604Thr)

Gene: CACNA1F (calcium voltage-gated channel subunit alpha1 F; minus strand). Cytogenetic location: Xp11.23.
Variant type: single nucleotide variant.
Coding change: c.1810G>A on transcript NM_001256789.3 (MANE Select); coding-DNA position 1810, G replaced by A.
Protein change: p.Ala604Thr; replaces alanine 604 with threonine.
Molecular consequence: missense variant.
Genome position (GRCh38, 1-based): chrX:49,224,828, C>T on the plus strand (G>A on the coding strand, the complement: CACNA1F is on the minus strand). VCF-style: chrX-49224828-C-T. GRCh37 (hg19) VCF-style: chrX-49081290-C-T.
Other names: c.1648G>A, p.Ala550Thr (NM_001256790.3); c.1843G>A, p.Ala615Thr (NM_005183.4); short protein forms A550T, A604T, A615T.
Identifiers: ClinVar variation 959023 (VCV000959023.11), dbSNP rs150417702, ClinGen allele CA10410787.

ClinVar aggregate classification (germline): Uncertain significance. Review status: criteria provided, multiple submitters, no conflicts (2 of 4 stars). 2 submissions from 2 submitters: Uncertain significance (2). Last evaluated 2025-11-26.

Conditions:
CACNA1F-related disorder. Also called: CACNA1F-related condition.

Allele frequency attached by ClinVar (database versions not stated): gnomAD exomes 0.00003; TOPMed 0.00004; gnomAD 0.00005 and 0.00006; ExAC 0.00008; ESP Exome Variant Server 0.00009; 1000 Genomes Project 30x 0.00042; 1000 Genomes Project 0.00053.
gnomAD v4.1: 17 of 1,194,869 alleles (0.0014%); highest among the groups gnomAD compares: African/African-American, 0.012%; no homozygotes.

Submissions (2):

PreventionGenetics, part of Exact Sciences
Classification: Uncertain significance for CACNA1F-related condition. Last evaluated: 2025-11-26. Review status: criteria provided, single submitter. Criteria: ACMG Guidelines, 2015. Collection method: clinical testing. Allele origin: germline.
Comment: The CACNA1F c.1843G>A variant is predicted to result in the amino acid substitution p.Ala615Thr. To our knowledge, this variant has not been reported in the literature. This variant is reported in 0.018% of alleles in individuals of African descent in gnomAD, including 3 hemizygotes in the most recent version of the database, which may be too frequent to be a primary cause of disease. Although we suspect that this variant may be benign, at this time, the clinical significance of this variant is uncertain due to the absence of conclusive functional and genetic evidence.

Labcorp Genetics (formerly Invitae), Labcorp
Classification: Uncertain significance. Last evaluated: 2024-02-24. Review status: criteria provided, single submitter. Criteria: Invitae Variant Classification Sherloc (09022015). Collection method: clinical testing. Allele origin: germline.
Comment: This sequence change replaces alanine, which is neutral and non-polar, with threonine, which is neutral and polar, at codon 615 of the CACNA1F protein (p.Ala615Thr). The frequency data for this variant in the population databases is considered unreliable, as metrics indicate poor data quality at this position in the gnomAD database. This missense change has been observed in individual(s) with CACNA1F-related conditions (Invitae). Experimental studies and prediction algorithms are not available or were not evaluated, and the functional significance of this variant is currently unknown. In summary, the available evidence is currently insufficient to determine the role of this variant in disease. Therefore, it has been classified as a Variant of Uncertain Significance.